The following is an entry in ClinVar:

ClinVar aggregate classification (germline): Likely pathogenic (1 of 4 stars; one submission).

Conditions:
Dilated cardiomyopathy 1G (CMD1G). Identifiers: Orphanet 154, MedGen C1858763, MONDO:0011400, OMIM 604145.
Autosomal recessive limb-girdle muscular dystrophy type 2J (LGMDR10). Also called: Limb-girdle muscular dystrophy, type 2J; MUSCULAR DYSTROPHY, LIMB-GIRDLE, AUTOSOMAL RECESSIVE 10. Identifiers: Orphanet 140922, MedGen C1837342, MONDO:0012127, OMIM 608807.

Submission:

Labcorp Genetics (formerly Invitae), Labcorp
Classification: Likely pathogenic for Dilated cardiomyopathy 1G; Autosomal recessive limb-girdle muscular dystrophy type 2J. Last evaluated: 2024-10-08. Review status: criteria provided, single submitter. Criteria: Invitae Variant Classification Sherloc (09022015). Collection method: clinical testing. Allele origin: germline.
Comment: This sequence change creates a premature translational stop signal (p.Ser28021Leufs*23) in the TTN gene. While this is not anticipated to result in nonsense mediated decay, it is expected to create a truncated TTN protein. This variant is not present in population databases (gnomAD no frequency). This variant has not been reported in the literature in individuals affected with TTN-related conditions. ClinVar contains an entry for this variant (Variation ID: 1067273). This variant is located in the A band of TTN (PMID: 25589632). Truncating variants in this region are significantly overrepresented in patients affected with dilated cardiomyopathy (PMID: 25589632). Truncating variants in this region have also been reported in individuals affected with autosomal recessive centronuclear myopathy (PMID: 23975875). In summary, the currently available evidence indicates that the variant is pathogenic, but additional data are needed to prove that conclusively. Therefore, this variant has been classified as Likely Pathogenic.

Literature cited by the submitters: PubMed 25589632; PubMed 23975875.

NM_001267550.2(TTN):c.84062_84065del (p.Ser28021fs)

Genes: TTN (titin; minus strand), TTN-AS1 (TTN antisense RNA 1; plus strand). Cytogenetic location: 2q31.2.
Variant type: Microsatellite.
Coding change: c.84062_84065del on transcript NM_001267550.2 (MANE Select); coding-DNA positions 84062 to 84065, 4 bases deleted (CTAT; older notation c.84062_84065delCTAT).
Protein change: p.Ser28021fs; shifts the reading frame from serine 28021.
Molecular consequence: frameshift variant.
Genome position (GRCh38, 1-based): chr2:178,562,067-178,562,070, ATAG deleted on the plus strand (CTAT on the coding strand, the reverse complement: TTN is on the minus strand); deleting any 4 consecutive bases within chr2:178,562,067-178,562,074 gives the same sequence; the c. name uses the placement nearest the transcript's 3' end. VCF-style (leftmost placement, unchanged base first): chr2-178562066-AATAG-A. GRCh37 (hg19) VCF-style: chr2-179426793-AATAG-A.
Other names: c.79139_79142del, p.Ser26380fs (NM_001256850.1); c.56867_56870del, p.Ser18956fs (NM_003319.4); c.76358_76361del, p.Ser25453fs (NM_133378.4); c.57242_57245del, p.Ser19081fs (NM_133432.3); c.57443_57446del, p.Ser19148fs (NM_133437.4); short protein forms S18956fs, S19081fs, S19148fs, S25453fs, S26380fs, S28021fs.
Identifiers: ClinVar variation 1067273 (VCV001067273.11), dbSNP rs1703876192, ClinGen allele CA1310527711.